The following is an entry in ClinVar:

ClinVar aggregate classification (germline): Pathogenic. Review status: criteria provided, multiple submitters, no conflicts (2 of 4 stars). 2 submissions from 2 submitters: Pathogenic (2). Last evaluated 2023-10-24.

Conditions:
Hereditary nonpolyposis colorectal neoplasms. Identifiers: MedGen C0009405, MeSH D003123.
Lynch syndrome 5 (LYNCH5). Also called: Colorectal cancer, hereditary nonpolyposis, type 5; Hereditary non-polyposis colorectal cancer, type 5. Identifiers: Orphanet 144, MedGen C1833477, MONDO:0013710, OMIM 614350. Disease mechanism: loss of function.

Submissions (2):

Myriad Genetics, Inc.
Classification: Pathogenic for Lynch syndrome 5. Last evaluated: 2023-10-24. Review status: criteria provided, single submitter. Criteria: Myriad Autosomal Dominant, Autosomal Recessive and X-Linked Classification Criteria (2023). Collection method: clinical testing. Allele origin: unknown.
Comment: This variant is considered pathogenic. This variant creates a frameshift predicted to result in premature protein truncation.

Labcorp Genetics (formerly Invitae), Labcorp
Classification: Pathogenic for Hereditary nonpolyposis colorectal neoplasms. Last evaluated: 2019-06-02. Review status: criteria provided, single submitter. Criteria: Invitae Variant Classification Sherloc (09022015). Collection method: clinical testing. Allele origin: germline.
Comment: This sequence change creates a premature translational stop signal (p.Phe706Leufs*30) in the MSH6 gene. It is expected to result in an absent or disrupted protein product. This variant is not present in population databases (ExAC no frequency). This variant has not been reported in the literature in individuals with MSH6-related conditions. Loss-of-function variants in MSH6 are known to be pathogenic (PMID: 18269114, 24362816). For these reasons, this variant has been classified as Pathogenic.

Literature cited by the submitters: PubMed 18269114 (cited by Labcorp Genetics (formerly Invitae), Labcorp); PubMed 24362816 (cited by Labcorp Genetics (formerly Invitae), Labcorp).

NM_000179.3(MSH6):c.2118del (p.Phe706fs)

Gene: MSH6 (mutS homolog 6; plus strand). Cytogenetic location: 2p16.3.
Variant type: Deletion.
Coding change: c.2118del on transcript NM_000179.3 (MANE Select); coding-DNA position 2118, one base deleted (T; older notation c.2118delT).
Protein change: p.Phe706fs; shifts the reading frame from phenylalanine 706.
Molecular consequence: frameshift variant.
Genome position (GRCh38, 1-based): chr2:47,800,101, T deleted; the last of 4 consecutive T bases (chr2:47,800,098-47,800,101); deleting any one gives the same sequence. VCF-style (leftmost placement, unchanged base first): chr2-47800097-AT-A. GRCh37 (hg19) VCF-style: chr2-48027236-AT-A.
Other names: c.1728del, p.Phe576fs (NM_001281492.2); c.1212del, p.Phe404fs (NM_001281493.2, NM_001281494.2); short protein forms F576fs, F404fs, F706fs.
Identifiers: ClinVar variation 645338 (VCV000645338.10), dbSNP rs1572725803, ClinGen allele CA915943927.